The following is an entry in ClinVar:

NM_024334.3(TMEM43):c.278G>T (p.Gly93Val)

Gene: TMEM43 (transmembrane protein 43; plus strand). Cytogenetic location: 3p25.1.
Variant type: single nucleotide variant.
Coding change: c.278G>T on transcript NM_024334.3 (MANE Select); coding-DNA position 278, G replaced by T.
Protein change: p.Gly93Val; replaces glycine 93 with valine.
Molecular consequence: missense variant.
Genome position (GRCh38, 1-based): chr3:14,130,937, G>T. VCF-style: chr3-14130937-G-T. GRCh37 (hg19) VCF-style: chr3-14172437-G-T.
Other names: c.278G>T, p.Gly93Val (NM_001407274.1, NM_001407275.1, NM_001407276.1 and 2 more transcripts); c.263G>T, p.Gly88Val (NM_001407278.1); c.128G>T, p.Gly43Val (NM_001407280.1); short protein forms G43V, G88V, G93V.
Identifiers: ClinVar variation 4759039 (VCV004759039.1).

ClinVar aggregate classification (germline): Uncertain significance (1 of 4 stars; one submission).

Conditions:
Cardiomyopathy (CMYO). Also called: Cardiomyopathies. Identifiers: Orphanet 167848, MedGen C0878544, MONDO:0004994, HP:0001638. Inheritance: Various modes of inheritance.

Submission:

Color Diagnostics, LLC DBA Color Health
Classification: Uncertain significance for Cardiomyopathy. Last evaluated: 2025-07-28. Review status: criteria provided, single submitter. Criteria: ACMG Guidelines, 2015. Collection method: clinical testing. Allele origin: germline.
Comment: This missense variant replaces glycine with valine at codon 93 of the TMEM43 protein. Computational prediction is inconclusive regarding the impact of this variant on protein structure and function. To our knowledge, functional studies have not been reported for this variant. This variant has not been reported in individuals affected with TMEM43-related disorders in the literature. This variant has not been identified in the general population by the Genome Aggregation Database (gnomAD). The available evidence is insufficient to determine the role of this variant in disease conclusively. Therefore, this variant is classified as a Variant of Uncertain Significance.